The following is an entry in ClinVar:

NM_004993.6(ATXN3):c.892CAG[17] (p.Gln305_Gly306insGlnGlnGlnGlnGlnGlnGlnGlnGln)

Genes: ATXN3 (ataxin 3; minus strand), LOC108663987 (ataxin 3 repeat instability region; plus strand). Cytogenetic location: 14q32.12.
Variant type: Microsatellite.
Coding change: c.892CAG[17] on transcript NM_004993.6 (MANE Select); 17 copies in a row of the 3-base unit CAG starting at c.892.
Protein change: p.Gln305_Gly306insGlnGlnGlnGlnGlnGlnGlnGlnGln.
Molecular consequence: inframe insertion. On other transcripts: non-coding transcript variant (19).
Genome position: GRCh38 VCF-style: chr14-92071010-C-CCTGCTGCTGCTGCTGCTGCTGCTGCTG. GRCh37 (hg19) VCF-style: chr14-92537354-C-CCTGCTGCTGCTGCTGCTGCTGCTGCTG.
Other names: c.847CAG[17], p.Gln290_Gly291insGlnGlnGlnGlnGlnGlnGlnGlnGln (NM_001127696.2); c.739CAG[17], p.Gln254_Gly255insGlnGlnGlnGlnGlnGlnGlnGlnGln (NM_001127697.3); c.209CAG[17], p.Ala77_Gly78insAlaAlaAlaAlaAlaAlaAlaAlaAla (NM_001164774.2); c.254CAG[17], p.Ala92_Gly93insAlaAlaAlaAlaAlaAlaAlaAlaAla (NM_001164776.2); c.89CAG[17], p.Ala37_Gly38insAlaAlaAlaAlaAlaAlaAlaAlaAla (NM_001164777.2); c.407CAG[17], p.Ala143_Gly144insAlaAlaAlaAlaAlaAlaAlaAlaAla (NM_001164778.2); c.529CAG[17], p.Gln184_Gly185insGlnGlnGlnGlnGlnGlnGlnGlnGln (NM_001164779.2); c.355CAG[17], p.Gln126_Gly127insGlnGlnGlnGlnGlnGlnGlnGlnGln (NM_001164780.2); and 3 more.
Identifiers: ClinVar variation 1050334 (VCV001050334.5), dbSNP rs193922928, ClinGen allele CA265623237.

ClinVar aggregate classification (germline): Benign/Likely benign. Review status: criteria provided, multiple submitters, no conflicts (2 of 4 stars). 4 submissions from 4 submitters: Benign (2); Likely benign (1). 1 of the submissions does not count toward it. Last evaluated 2025-02-16.

Submissions (4):

Laboratory of Genetics, Children's Clinical University Hospital Latvia
Classification: Benign. Last evaluated: 2025-02-16. Review status: criteria provided, single submitter. Criteria: ACMG Guidelines, 2015. Collection method: clinical testing. Allele origin: germline. Affected: yes.

Blueprint Genetics
Classification: Likely benign. Last evaluated: 2024-11-27. Review status: criteria provided, single submitter. Criteria: ACMG Guidelines, 2015. Collection method: clinical testing. Allele origin: germline.

GeneDx
Classification: Benign. Last evaluated: 2020-11-27. Review status: criteria provided, single submitter. Criteria: GeneDx Variant Classification Process June 2021. Collection method: clinical testing. Allele origin: germline. Affected: yes.

Department of Pathology and Laboratory Medicine, Sinai Health System
Classification: Likely benign. Review status: no assertion criteria provided. Collection method: clinical testing. Allele origin: unknown. Affected: yes. Study: The Canadian Open Genetics Repository (COGR). Not counted in ClinVar's aggregate classification.
Comment: The ATXN3 p.Ala22_Gly23ins9 variant was identified in dbSNP (ID: rs763541221), ClinVar, Cosmic and LOVD 3.0. The variant was not identified in the following control databases: the 1000 Genomes Project, the NHLBI GO Exome Sequencing Project, the Exome Aggregation Consortium (August 8th 2016), or the Genome Aggregation Database (Feb 27, 2017). This variant is an in-frame insertion resulting in the inclusion of nine CAG repeats. The (CAG)n repeat within the ATXN3 gene was found to cause Machado-Joseph disease at 73-78 repeats while 14-40 repeats was considered the normal range (Limprasert_1996_PMID: 8824876). More recent studies have suggested 52 to 86 repeats as pathogenic (GeneReviews). This CAG repeat expansion would fall within the normal range and this variant is predicted to be a polymorphism by MutationTaster. In summary, based on the above information the clinical significance of this variant cannot be determined with certainty at this time although we would lean towards a more benign role for this variant. This variant is classified as likely benign.